The following is an entry in ClinVar:

NM_003126.4(SPTA1):c.6860T>C (p.Leu2287Ser)

Gene: SPTA1 (spectrin alpha, erythrocytic 1; minus strand). Cytogenetic location: 1q23.1.
Variant type: single nucleotide variant.
Coding change: c.6860T>C on transcript NM_003126.4 (MANE Select); coding-DNA position 6860, T replaced by C.
Protein change: p.Leu2287Ser; replaces leucine 2287 with serine.
Molecular consequence: missense variant.
Genome position (GRCh38, 1-based): chr1:158,613,850, A>G on the plus strand (T>C on the coding strand, the complement: SPTA1 is on the minus strand). VCF-style: chr1-158613850-A-G. GRCh37 (hg19) VCF-style: chr1-158583640-A-G.
Other names: short protein forms L2287S.
Identifiers: ClinVar variation 2808972 (VCV002808972.3), dbSNP rs1557918174, ClinGen allele CA343013176.

ClinVar aggregate classification (germline): Uncertain significance (1 of 4 stars; one submission).

Allele frequency attached by ClinVar (database versions not stated): gnomAD exomes below 0.00001.
gnomAD v4.1: 1 of 1,613,944 alleles (0.000062%); highest among the groups gnomAD compares: Non-Finnish European, 0.000085%; no homozygotes.

Submission:

Labcorp Genetics (formerly Invitae), Labcorp
Classification: Uncertain significance. Last evaluated: 2024-01-12. Review status: criteria provided, single submitter. Criteria: Invitae Variant Classification Sherloc (09022015). Collection method: clinical testing. Allele origin: germline.
Comment: This sequence change replaces leucine, which is neutral and non-polar, with serine, which is neutral and polar, at codon 2287 of the SPTA1 protein (p.Leu2287Ser). This variant is not present in population databases (gnomAD no frequency). This variant has not been reported in the literature in individuals affected with SPTA1-related conditions. Advanced modeling of protein sequence and biophysical properties (such as structural, functional, and spatial information, amino acid conservation, physicochemical variation, residue mobility, and thermodynamic stability) performed at Invitae indicates that this missense variant is not expected to disrupt SPTA1 protein function with a negative predictive value of 80%. In summary, the available evidence is currently insufficient to determine the role of this variant in disease. Therefore, it has been classified as a Variant of Uncertain Significance.